The following is an entry in ClinVar:

NM_016562.4(TLR7):c.3126T>A (p.Ser1042Arg)

Gene: TLR7 (toll like receptor 7; plus strand). Cytogenetic location: Xp22.2.
Variant type: single nucleotide variant.
Coding change: c.3126T>A on transcript NM_016562.4 (MANE Select); coding-DNA position 3126, T replaced by A.
Protein change: p.Ser1042Arg; replaces serine 1042 with arginine.
Molecular consequence: missense variant.
Genome position (GRCh38, 1-based): chrX:12,888,634, T>A. VCF-style: chrX-12888634-T-A. GRCh37 (hg19) VCF-style: chrX-12906753-T-A.
Other names: short protein forms S1042R.
Identifiers: ClinVar variation 2997883 (VCV002997883.3), dbSNP rs2518439695, ClinGen allele CA412412347.

ClinVar aggregate classification (germline): Uncertain significance (1 of 4 stars; one submission).

Submission:

Labcorp Genetics (formerly Invitae), Labcorp
Classification: Uncertain significance. Last evaluated: 2023-08-18. Review status: criteria provided, single submitter. Criteria: Invitae Variant Classification Sherloc (09022015). Collection method: clinical testing. Allele origin: germline.
Comment: This sequence change replaces serine, which is neutral and polar, with arginine, which is basic and polar, at codon 1042 of the TLR7 protein (p.Ser1042Arg). This variant is not present in population databases (gnomAD no frequency). This variant has not been reported in the literature in individuals affected with TLR7-related conditions. An algorithm developed to predict the effect of missense changes on protein structure and function (PolyPhen-2) suggests that this variant is likely to be disruptive. In summary, the available evidence is currently insufficient to determine the role of this variant in disease. Therefore, it has been classified as a Variant of Uncertain Significance.